The following is an entry in ClinVar:

NM_170707.3:c.(?_-1)_(513+1_514-1)del

Gene: LMNA (lamin A/C; plus strand).
Variant type: Deletion.
Identifiers: ClinVar variation 3895124 (VCV003895124.1).

ClinVar aggregate classification (germline): Likely pathogenic (1 of 4 stars; one submission).

Conditions:
Cardiovascular phenotype. Identifiers: MedGen CN230736.

Submission:

Molecular Diagnostic Laboratory for Inherited Cardiovascular Disease, Montreal Heart Institute
Classification: Likely pathogenic for Cardiovascular phenotype. Last evaluated: 2023-12-11. Review status: criteria provided, single submitter. Criteria: ACMG Guidelines, 2015. Collection method: clinical testing. Allele origin: germline. Affected: yes.
Comment: PVS1, PM2